The following is an entry in ClinVar:

ClinVar aggregate classification (germline): Uncertain significance (1 of 4 stars; one submission).

Conditions:
Myasthenic syndrome, congenital, 22 (CMS22). Also called: PREPL DEFICIENCY. Identifiers: MedGen C4479088, MONDO:0044299, OMIM 616224.

gnomAD v4.1: 2 of 1,613,914 alleles (0.00012%); highest among the groups gnomAD compares: Non-Finnish European, 0.00017%; no homozygotes.

Submission:

Labcorp Genetics (formerly Invitae), Labcorp
Classification: Uncertain significance for Myasthenic syndrome, congenital, 22. Last evaluated: 2022-03-10. Review status: criteria provided, single submitter. Criteria: Invitae Variant Classification Sherloc (09022015). Collection method: clinical testing. Allele origin: germline.
Comment: This sequence change replaces lysine, which is basic and polar, with asparagine, which is neutral and polar, at codon 173 of the PREPL protein (p.Lys173Asn). This variant is not present in population databases (gnomAD no frequency). This variant has not been reported in the literature in individuals affected with PREPL-related conditions. Algorithms developed to predict the effect of missense changes on protein structure and function (SIFT, PolyPhen-2, Align-GVGD) all suggest that this variant is likely to be tolerated. In summary, the available evidence is currently insufficient to determine the role of this variant in disease. Therefore, it has been classified as a Variant of Uncertain Significance.

NM_001171613.2(PREPL):c.252G>C (p.Lys84Asn)

Gene: PREPL (prolyl endopeptidase like; minus strand). Cytogenetic location: 2p21.
Variant type: single nucleotide variant.
Coding change: c.252G>C on transcript NM_001171613.2 (MANE Select); coding-DNA position 252, G replaced by C.
Protein change: p.Lys84Asn; replaces lysine 84 with asparagine.
Molecular consequence: missense variant.
Genome position (GRCh38, 1-based): chr2:44,343,842, C>G on the plus strand (G>C on the coding strand, the complement: PREPL is on the minus strand). VCF-style: chr2-44343842-C-G. GRCh37 (hg19) VCF-style: chr2-44570981-C-G.
Other names: c.519G>C, p.Lys173Asn (NM_001042385.2, NM_001042386.2, NM_001171603.1 and 4 more transcripts); c.252G>C, p.Lys84Asn (NM_001171617.1, NM_001374277.1); short protein forms K84N, K173N.
Identifiers: ClinVar variation 1933665 (VCV001933665.2), dbSNP rs1675487380, ClinGen allele CA346693435.